The following is an entry in ClinVar:

NM_130384.3(ATRIP):c.590C>A (p.Ala197Glu)

Genes: ATRIP (ATR interacting protein; plus strand), ATRIP-TREX1 (ATRIP-TREX1 readthrough; plus strand). Cytogenetic location: 3p21.31.
Variant type: single nucleotide variant.
Coding change: c.590C>A on transcript NM_130384.3 (MANE Select); coding-DNA position 590, C replaced by A.
Protein change: p.Ala197Glu; replaces alanine 197 with glutamic acid.
Molecular consequence: missense variant. On other transcripts: non-coding transcript variant (1).
Genome position (GRCh38, 1-based): chr3:48,454,337, C>A. VCF-style: chr3-48454337-C-A. GRCh37 (hg19) VCF-style: chr3-48495737-C-A.
Other names: c.209C>A, p.Ala70Glu (NM_001271022.2); c.311C>A, p.Ala104Glu (NM_001271023.2); c.590C>A, p.Ala197Glu (NM_032166.4); short protein forms A70E, A104E, A197E.
Identifiers: ClinVar variation 3976565 (VCV003976565.1).

ClinVar aggregate classification (germline): Uncertain significance (1 of 4 stars; one submission).

Submission:

Ambry Genetics
Classification: Uncertain significance. Last evaluated: 2025-05-15. Review status: criteria provided, single submitter. Criteria: Ambry Variant Classification Scheme 2023. Collection method: clinical testing. Allele origin: germline.
Comment: The p.A197E variant (also known as c.590C>A), located in coding exon 4 of the ATRIP gene, results from a C to A substitution at nucleotide position 590. The alanine at codon 197 is replaced by glutamic acid, an amino acid with dissimilar properties. This amino acid position is conserved. In addition, this alteration is predicted to be deleterious by in silico analysis. Based on the available evidence, the clinical significance of this variant remains unclear.